The following is an entry in ClinVar:

NM_206933.4(USH2A):c.8682-2A>C

Gene: USH2A (usherin; minus strand). Cytogenetic location: 1q41.
Variant type: single nucleotide variant.
Coding change: c.8682-2A>C on transcript NM_206933.4 (MANE Select); the canonical splice acceptor site of the intron before coding-DNA position 8682, A replaced by C.
Molecular consequence: splice acceptor variant.
Genome position (GRCh38, 1-based): chr1:215,867,172, T>G on the plus strand (A>C on the coding strand, the complement: USH2A is on the minus strand). VCF-style: chr1-215867172-T-G. GRCh37 (hg19) VCF-style: chr1-216040514-T-G.
Identifiers: ClinVar variation 554654 (VCV000554654.16), dbSNP rs1553271002, ClinGen allele CA344851538.

ClinVar aggregate classification (germline): Pathogenic/Likely pathogenic. Review status: criteria provided, multiple submitters, no conflicts (2 of 4 stars). 7 submissions from 6 submitters: Pathogenic (2); Likely pathogenic (4). 1 of the submissions does not count toward it. Last evaluated 2026-01-21.

Conditions:
Usher syndrome type 2A. Also called: RETINAL DISEASE IN USHER SYNDROME TYPE IIA, MODIFIER OF; USHER SYNDROME, TYPE IIA. Identifiers: Orphanet 231178, Orphanet 886, MedGen C1848634, MONDO:0010169, OMIM 276901.
Retinitis pigmentosa 39 (RP39). Identifiers: Orphanet 791, MedGen C3151138, MONDO:0013436, OMIM 613809.
USH2A-related disorder. Also called: USH2A-related disorders; USH2A-related condition. Identifiers: MedGen CN239332.

Submissions (7):

Natera, Inc.
Classification: Pathogenic for Usher syndrome type 2A. Last evaluated: 2026-01-21. Review status: criteria provided, single submitter. Criteria: Natera Variant Classification Schema (03/2026). Collection method: clinical testing. Allele origin: germline.
Comment: The c.8682-2A>C variant in USH2A is a canonical splice acceptor site variant predicted to affect pre-mRNA splicing, which may result in an abnormal transcript and altered protein product. This variant is expected to result in nonsense mediated decay, truncation, or a dysfunctional protein product. This variant is rare in the general population with a frequency below the threshold expected for the associated phenotype(s). Another variant at this same site results in an alteration predicted to cause a similar molecular effect has been observed in individual(s) with the associated phenotype. Given the available evidence, this variant is classified as Pathogenic.

Labcorp Genetics (formerly Invitae), Labcorp
Classification: Pathogenic. Last evaluated: 2025-01-15. Review status: criteria provided, single submitter. Criteria: Invitae Variant Classification Sherloc (09022015). Collection method: clinical testing. Allele origin: germline.
Comment: This sequence change affects an acceptor splice site in intron 43 of the USH2A gene. It is expected to disrupt RNA splicing. Variants that disrupt the donor or acceptor splice site typically lead to a loss of protein function (PMID: 16199547), and loss-of-function variants in USH2A are known to be pathogenic (PMID: 10729113, 10909849, 20507924, 25649381). This variant is not present in population databases (gnomAD no frequency). Disruption of this splice site has been observed in individual(s) with clinical features of USH2A-related conditions (PMID: 34148116; internal data). ClinVar contains an entry for this variant (Variation ID: 554654). Algorithms developed to predict the effect of sequence changes on RNA splicing suggest that this variant may disrupt the consensus splice site. For these reasons, this variant has been classified as Pathogenic.

Blueprint Genetics
Classification: Likely pathogenic for USH2A-related disorders. Last evaluated: 2024-01-17. Review status: criteria provided, single submitter. Criteria: ACMG Guidelines, 2015. Collection method: clinical testing. Allele origin: germline. Affected: yes. Observed: 1 variant allele.

Genome-Nilou Lab
Classification: Likely pathogenic for Retinitis pigmentosa 39. Last evaluated: 2023-04-11. Review status: criteria provided, single submitter. Criteria: ACMG Guidelines, 2015. Collection method: clinical testing. Allele origin: germline. Affected: no.

Genome-Nilou Lab
Classification: Likely pathogenic for Usher syndrome type 2A. Last evaluated: 2023-04-11. Review status: criteria provided, single submitter. Criteria: ACMG Guidelines, 2015. Collection method: clinical testing. Allele origin: germline. Affected: no.

Baylor Genetics
Classification: Likely pathogenic for Retinitis pigmentosa 39. Last evaluated: 2022-06-15. Review status: criteria provided, single submitter. Criteria: ACMG Guidelines, 2015. Collection method: clinical testing. Allele origin: unknown.

Counsyl
Classification: Likely pathogenic for Usher syndrome type 2A; Retinitis pigmentosa 39. Last evaluated: 2017-10-30. Review status: no assertion criteria provided. Collection method: clinical testing. Allele origin: unknown. Not counted in ClinVar's aggregate classification.

Literature cited by the submitters: PubMed 16199547 (cited by Labcorp Genetics (formerly Invitae), Labcorp); PubMed 10729113 (cited by Labcorp Genetics (formerly Invitae), Labcorp); PubMed 10909849 (cited by Labcorp Genetics (formerly Invitae), Labcorp); PubMed 20507924 (cited by Labcorp Genetics (formerly Invitae), Labcorp); PubMed 25649381 (cited by Labcorp Genetics (formerly Invitae), Labcorp); PubMed 34148116 (cited by Labcorp Genetics (formerly Invitae), Labcorp).